The following is an entry in ClinVar:

ClinVar aggregate classification (germline): Uncertain significance (1 of 4 stars; one submission).

gnomAD v4.1: 5 of 1,614,168 alleles (0.00031%); highest among the groups gnomAD compares: South Asian, 0.0033%; no homozygotes.

Submission:

Women's Health and Genetics/Laboratory Corporation of America, LabCorp
Classification: Uncertain significance. Last evaluated: 2025-07-18. Review status: criteria provided, single submitter. Criteria: LabCorp Variant Classification Summary - May 2015. Collection method: clinical testing. Allele origin: germline.
Comment: Variant summary: TRPM3 c.128A>C (p.Gln43Pro) results in a non-conservative amino acid change in the encoded protein sequence. Algorithms developed to predict the effect of missense changes on protein structure and function are either unavailable or do not agree on the potential impact of this missense change. The variant allele was found at a frequency of 1.6e-05 in 251396 control chromosomes. The available data on variant occurrences in the general population are insufficient to allow any conclusion about variant significance. To our knowledge, no occurrence of c.128A>C in individuals affected with Neurodevelopmental Disorder With Hypotonia, Dysmorphic Facies, And Skeletal Anomalies, With Or Without Seizures and no experimental evidence demonstrating its impact on protein function have been reported. No submitters have cited clinical-significance assessments for this variant to ClinVar. Based on the evidence outlined above, the variant was classified as uncertain significance.

NM_001366145.2(TRPM3):c.587A>C (p.Gln196Pro)

Gene: TRPM3 (transient receptor potential cation channel subfamily M member 3; minus strand). Cytogenetic location: 9q21.12.
Variant type: single nucleotide variant.
Coding change: c.587A>C on transcript NM_001366145.2 (MANE Select); coding-DNA position 587, A replaced by C.
Protein change: p.Gln196Pro; replaces glutamine 196 with proline.
Molecular consequence: missense variant.
Genome position (GRCh38, 1-based): chr9:70,846,467, T>G on the plus strand (A>C on the coding strand, the complement: TRPM3 is on the minus strand). VCF-style: chr9-70846467-T-G. GRCh37 (hg19) VCF-style: chr9-73461383-T-G.
Other names: c.128A>C, p.Gln43Pro (NM_001007470.3, NM_001366154.2, NM_020952.6 and 6 more transcripts); c.587A>C, p.Gln196Pro (NM_001007471.4, NM_001366146.2, NM_001366147.2 and 6 more transcripts); c.593A>C, p.Gln198Pro (NM_001366141.2, NM_001366142.2, NM_001366143.2 and 1 more transcripts); short protein forms Q196P, Q198P, Q43P.
Identifiers: ClinVar variation 4525784 (VCV004525784.1).
Genomic context (GRCh38, chr9:70,846,467, plus strand): 5'-GCTCCAGTTGTCATTGCTGCTTTGATGAGCCCTTTCCCAAAGACTTGCTTGAGTTTTGGC[T>G]GGAGTTCAAAGTTCTGCAGGCCCCCATGGACAGAGATGAGAAGCTTGGGAAGCTCCAACT-3'
Protein context (NP_001353074.1, residues 186-206): VHGGLQNFEL[Gln196Pro]PKLKQVFGKG